The following is an entry in ClinVar:

ClinVar aggregate classification (germline): Likely benign (0 of 4 stars; one submission).

Conditions:
MAP3K20-related disorder. Also called: MAP3K20-related condition.

Allele frequency attached by ClinVar (database versions not stated): gnomAD 0.00034; gnomAD exomes 0.00036; TOPMed 0.00045; ExAC 0.00059; 1000 Genomes Project 0.00100; 1000 Genomes Project 30x 0.00109.
gnomAD v4.1: 588 of 1,613,388 alleles (0.036%); highest among the groups gnomAD compares: East Asian, 1.2%; no homozygotes.

Submission:

PreventionGenetics, part of Exact Sciences
Classification: Likely benign for MAP3K20-related condition. Last evaluated: 2024-05-16. Review status: no assertion criteria provided. Collection method: clinical testing. Allele origin: germline.
Comment: This variant is classified as likely benign based on ACMG/AMP sequence variant interpretation guidelines (Richards et al. 2015 PMID: 25741868, with internal and published modifications).

NM_016653.3(MAP3K20):c.987+3977G>A

Genes: MAP3K20 (mitogen-activated protein kinase kinase kinase 20; plus strand), MAP3K20-AS1 (MAP3K20 antisense RNA 1; minus strand). Cytogenetic location: 2q31.1.
Variant type: single nucleotide variant.
Coding change: c.987+3977G>A on transcript NM_016653.3 (MANE Select); 3977 bases into the intron after coding-DNA position 987, G replaced by A.
Molecular consequence: intron variant. On other transcripts: synonymous variant (1).
Genome position (GRCh38, 1-based): chr2:173,221,227, G>A. VCF-style: chr2-173221227-G-A. GRCh37 (hg19) VCF-style: chr2-174085955-G-A.
Other names: c.1065G>A, p.Glu355= (NM_133646.3).
Identifiers: ClinVar variation 3059052 (VCV003059052.2), dbSNP rs182244951, ClinGen allele CA1970626.